The following is an entry in ClinVar:

NM_015107.3(PHF8):c.1191C>T (p.Gly397=)

Gene: PHF8 (PHD finger protein 8; minus strand). Cytogenetic location: Xp11.22.
Variant type: single nucleotide variant.
Coding change: c.1191C>T on transcript NM_015107.3 (MANE Select); coding-DNA position 1191, C replaced by T.
Protein change: p.Gly397=; no amino-acid change (glycine 397 retained).
Molecular consequence: synonymous variant.
Genome position (GRCh38, 1-based): chrX:53,999,912, G>A on the plus strand (C>T on the coding strand, the complement: PHF8 is on the minus strand). VCF-style: chrX-53999912-G-A. GRCh37 (hg19) VCF-style: chrX-54026345-G-A.
Other names: NC_000023.10:g.54026345G>A; c.1299C>T, p.Gly433= (NM_001184896.1); c.1191C>T, p.Gly397= (NM_001184897.2, NM_001184898.2).
Identifiers: ClinVar variation 3388840 (VCV003388840.15).
Genomic context (GRCh38, chrX:53,999,912, plus strand): 5'-AGAAATATGCATATTTACTTCTTTCCTTGTCCAGGCTCTAAAGGCCAAGTTCAAGGCTTT[G>A]CCACCATGGACCAGGTAGGAGGCAGGGTGTCTCCTGTTCTCTCGCAAACCTAAAGGAGGA-3'
Protein context (NP_055922.1, residues 387-407): RHPASYLVHG[Gly397=]KALNLAFRAW

ClinVar aggregate classification (germline): Likely benign (1 of 4 stars; one submission).

gnomAD v4.1: 19 of 1,203,956 alleles (0.0016%); highest among the groups gnomAD compares: Middle Eastern, 0.048%; no homozygotes.

Submissions (2):

CeGaT Center for Human Genetics Tuebingen
Classification: Likely benign. Last evaluated: 2024-11-01. Review status: criteria provided, single submitter. Criteria: CeGaT Center For Human Genetics Tuebingen Variant Classification Criteria Version 2. Collection method: clinical testing. Allele origin: germline. Affected: yes. Observed: 1 variant allele.
Comment: PHF8: BP4, BP7, BS2

Dr. Peter K. Rogan Lab, Western University
No classification provided (evidence only). Condition: Nonpapillary renal cell carcinoma. Review status: no classification provided. Collection method: in vitro. Allele origin: not applicable. Functional consequence: retained intron. Not counted in ClinVar's aggregate classification.